The following is an entry in ClinVar:

ClinVar aggregate classification (germline): Likely pathogenic. Review status: criteria provided, multiple submitters, no conflicts (2 of 4 stars). 3 submissions from 3 submitters: Likely pathogenic (3). Last evaluated 2024-08-30.

Conditions:
Tall stature-scoliosis-macrodactyly of the great toes syndrome. Also called: Epiphyseal chondrodysplasia, miura type. Identifiers: Orphanet 329191, MedGen C4014690, MONDO:0014401, OMIM 615923.
Acromesomelic dysplasia 1, Maroteaux type (AMD1). Also called: ST. HELENA DYSPLASIA; ACROMESOMELIC DYSPLASIA 1. Identifiers: Orphanet 40, MedGen C1864356, MONDO:0011275, OMIM 602875.
Short stature with nonspecific skeletal abnormalities 1 (SNSK1). Identifiers: MedGen CN379227, MONDO:0014551, OMIM 616255.

Allele frequency attached by ClinVar (database versions not stated): ESP Exome Variant Server 0.00008; gnomAD exomes below 0.00001 and 0.00001.
gnomAD v4.1: 7 of 1,614,110 alleles (0.00043%); highest among the groups gnomAD compares: South Asian, 0.0022%; no homozygotes.

Submissions (3):

Labcorp Genetics (formerly Invitae), Labcorp
Classification: Likely pathogenic for Tall stature-scoliosis-macrodactyly of the great toes syndrome; Acromesomelic dysplasia 1, Maroteaux type. Last evaluated: 2024-08-30. Review status: criteria provided, single submitter. Criteria: Invitae Variant Classification Sherloc (09022015). Collection method: clinical testing. Allele origin: germline.
Comment: This sequence change replaces arginine, which is basic and polar, with cysteine, which is neutral and slightly polar, at codon 957 of the NPR2 protein (p.Arg957Cys). This variant is present in population databases (rs370158184, gnomAD 0.003%). This missense change has been observed in individuals with clinical features of acromesomelic dysplasia (internal data). It has also been observed to segregate with disease in related individuals. ClinVar contains an entry for this variant (Variation ID: 1513451). Invitae Evidence Modeling of protein sequence and biophysical properties (such as structural, functional, and spatial information, amino acid conservation, physicochemical variation, residue mobility, and thermodynamic stability) indicates that this missense variant is expected to disrupt NPR2 protein function with a positive predictive value of 80%. Experimental studies have shown that this missense change affects NPR2 function (PMID: 18945719). This variant disrupts the p.Arg957 amino acid residue in NPR2. Other variant(s) that disrupt this residue have been observed in individuals with NPR2-related conditions (PMID: 33288834), which suggests that this may be a clinically significant amino acid residue. In summary, the currently available evidence indicates that the variant is pathogenic, but additional data are needed to prove that conclusively. Therefore, this variant has been classified as Likely Pathogenic.

3billion
Classification: Likely pathogenic for Acromesomelic dysplasia 1, Maroteaux type. Last evaluated: 2023-12-19. Review status: criteria provided, single submitter. Criteria: ACMG Guidelines, 2015. Collection method: clinical testing. Allele origin: germline. Affected: yes.
Comment: The variant is observed at an extremely low frequency in the gnomAD v2.1.1 dataset (total allele frequency: 0.001%). Predicted Consequence/Location: Missense variant Functional studies provide moderate evidence of the variant having a damaging effect on the gene or gene product (PMID: 18945719). In silico tool predictions suggest damaging effect of the variant on gene or gene product [REVEL: 0.81 (>=0.6, sensitivity 0.68 and specificity 0.92); 3Cnet: 0.76 (>=0.6, sensitivity 0.72 and precision 0.9)]. Same nucleotide change resulting in same amino acid change (ClinVar ID: VCV001513451 /PMID: 15146390) and a different missense change at the same codon (p.Arg957His / ClinVar ID: VCV000873148 /PMID: 33288834) have been previously reported to be associated with NPR2 related disorder. Therefore, this variant is classified as Likely pathogenic according to the recommendation of ACMG/AMP guideline.

Juno Genomics, Hangzhou Juno Genomics, Inc
Classification: Likely pathogenic for Short stature with nonspecific skeletal abnormalities 1; Acromesomelic dysplasia 1, Maroteaux type; Tall stature-scoliosis-macrodactyly of the great toes syndrome. Review status: criteria provided, single submitter. Criteria: ACMG Guidelines, 2015. Collection method: clinical testing. Allele origin: germline.
Comment: Absent from controls (or at extremely low frequency if recessive) in Genome Aggregation Database.;Missense variant in a gene that has a low rate of benign missense variation.;Well-established in vitro or in vivo functional studies supportive of a damaging effect on the gene or gene product.;Patient's phenotype or family history is highly specific for a disease with a single genetic etiology.;Novel missense change at an amino acid residue where a different missense change determined to be pathogenic has been seen before.

Literature cited by the submitters: PubMed 18945719 (cited by Labcorp Genetics (formerly Invitae), Labcorp and 3billion); PubMed 33288834 (cited by Labcorp Genetics (formerly Invitae), Labcorp and 3billion); PubMed 15146390 (cited by 3billion).

NM_003995.4(NPR2):c.2869C>T (p.Arg957Cys)

Genes: NPR2 (natriuretic peptide receptor 2; plus strand), SPAG8 (sperm associated antigen 8; minus strand). Cytogenetic location: 9p13.3.
Variant type: single nucleotide variant.
Coding change: c.2869C>T on transcript NM_003995.4 (MANE Select); coding-DNA position 2869, C replaced by T.
Protein change: p.Arg957Cys; replaces arginine 957 with cysteine.
Molecular consequence: missense variant. On other transcripts: intron variant (2).
Genome position (GRCh38, 1-based): chr9:35,808,665, C>T. VCF-style: chr9-35808665-C-T. GRCh37 (hg19) VCF-style: chr9-35808662-C-T.
Other names: c.2878C>T, p.Arg960Cys (NM_001378923.1); c.1201-359G>A (NM_001366760.2); c.1373-359G>A (NM_172312.2); short protein forms R957C, R960C.
Identifiers: ClinVar variation 1513451 (VCV001513451.10), dbSNP rs370158184, ClinGen allele CA192773213.